The following is an entry in ClinVar:

ClinVar aggregate classification (germline): Uncertain significance (1 of 4 stars; one submission).

Conditions:
Familial adenomatous polyposis 1 (FAP1). Also called: FAMILIAL ADENOMATOUS POLYPOSIS 1, ATTENUATED; POLYPOSIS, ADENOMATOUS INTESTINAL. Identifiers: MedGen C2713442, MONDO:0021056, OMIM 175100. Disease mechanism: loss of function.

Submission:

Labcorp Genetics (formerly Invitae), Labcorp
Classification: Uncertain significance for Familial adenomatous polyposis 1. Last evaluated: 2023-11-17. Review status: criteria provided, single submitter. Criteria: Invitae Variant Classification Sherloc (09022015). Collection method: clinical testing. Allele origin: germline.
Comment: This sequence change replaces phenylalanine, which is neutral and non-polar, with valine, which is neutral and non-polar, at codon 2725 of the APC protein (p.Phe2725Val). This variant is not present in population databases (gnomAD no frequency). This variant has not been reported in the literature in individuals affected with APC-related conditions. Advanced modeling of protein sequence and biophysical properties (such as structural, functional, and spatial information, amino acid conservation, physicochemical variation, residue mobility, and thermodynamic stability) performed at Invitae indicates that this missense variant is not expected to disrupt APC protein function with a negative predictive value of 95%. In summary, the available evidence is currently insufficient to determine the role of this variant in disease. Therefore, it has been classified as a Variant of Uncertain Significance.

NM_000038.6(APC):c.8173T>G (p.Phe2725Val)

Gene: APC (APC regulator of Wnt signaling pathway; plus strand). Cytogenetic location: 5q22.2.
Variant type: single nucleotide variant.
Coding change: c.8173T>G on transcript NM_000038.6 (MANE Select); coding-DNA position 8173, T replaced by G.
Protein change: p.Phe2725Val; replaces phenylalanine 2725 with valine.
Molecular consequence: missense variant. On other transcripts: non-coding transcript variant (2).
Genome position (GRCh38, 1-based): chr5:112,843,767, T>G. VCF-style: chr5-112843767-T-G. GRCh37 (hg19) VCF-style: chr5-112179464-T-G.
Other names: c.8089T>G, p.Phe2697Val (NM_001354899.2); c.8050T>G, p.Phe2684Val (NM_001354900.2); c.7996T>G, p.Phe2666Val (NM_001354901.2, NM_001407453.1); c.7900T>G, p.Phe2634Val (NM_001354902.2); c.8152T>G, p.Phe2718Val (NM_001407451.1); c.8227T>G, p.Phe2743Val (NM_001407447.1, NM_001407448.1, NM_001407449.1 and 1 more transcripts); c.7870T>G, p.Phe2624Val (NM_001354903.2, NM_001407458.1, NM_001407459.1 and 1 more transcripts); c.7795T>G, p.Phe2599Val (NM_001354904.2); and 11 more; short protein forms F2341V, F2700V, F2725V, F2596V, F2599V, F2707V, F2743V, F2442V.
Identifiers: ClinVar variation 2696494 (VCV002696494.3), dbSNP rs1766671455, ClinGen allele CA16039072.